The following is an entry in ClinVar:

NM_004380.3(CREBBP):c.84A>T (p.Thr28=)

Genes: CREBBP (CREB binding lysine acetyltransferase; minus strand), LOC130058357 (ATAC-STARR-seq lymphoblastoid silent region 7141; plus strand). Cytogenetic location: 16p13.3.
Variant type: single nucleotide variant.
Coding change: c.84A>T on transcript NM_004380.3 (MANE Select); coding-DNA position 84, A replaced by T.
Protein change: p.Thr28=; no amino-acid change (threonine 28 retained).
Molecular consequence: synonymous variant.
Genome position (GRCh38, 1-based): chr16:3,879,833, T>A on the plus strand (A>T on the coding strand, the complement: CREBBP is on the minus strand). VCF-style: chr16-3879833-T-A. GRCh37 (hg19) VCF-style: chr16-3929834-T-A.
Other names: c.84A>T, p.Thr28= (NM_001079846.1).
Identifiers: ClinVar variation 3031976 (VCV003031976.2), dbSNP rs1597099402, ClinGen allele CA493277094.

ClinVar aggregate classification (germline): Likely benign (0 of 4 stars; one submission).

Conditions:
CREBBP-related disorder. Also called: CREBBP-related condition; CREBBP-related disorders.

Submission:

PreventionGenetics, part of Exact Sciences
Classification: Likely benign for CREBBP-related condition. Last evaluated: 2023-06-01. Review status: no assertion criteria provided. Collection method: clinical testing. Allele origin: germline.
Comment: This variant is classified as likely benign based on ACMG/AMP sequence variant interpretation guidelines (Richards et al. 2015 PMID: 25741868, with internal and published modifications).